The following is an entry in ClinVar:

NM_001201543.2(FAM161A):c.981del (p.Phe327fs)

Gene: FAM161A (FAM161 centrosomal protein A; minus strand). Cytogenetic location: 2p15.
Variant type: Deletion.
Coding change: c.981del on transcript NM_001201543.2 (MANE Select); coding-DNA position 981, one base deleted (T; older notation c.981delT).
Protein change: p.Phe327fs; shifts the reading frame from phenylalanine 327.
Molecular consequence: frameshift variant. On other transcripts: non-coding transcript variant (1).
Genome position (GRCh38, 1-based): chr2:61,840,023, A deleted on the plus strand (T on the coding strand, the reverse complement: FAM161A is on the minus strand); the first of 3 consecutive A bases (chr2:61,840,023-61,840,025); deleting any one gives the same sequence. VCF-style (leftmost placement, unchanged base first): chr2-61840022-TA-T. GRCh37 (hg19) VCF-style: chr2-62067157-TA-T.
Other names: c.981del (NM_001201543.1); c.981del, p.Phe327fs (NM_032180.3); short protein forms F327fs.
Identifiers: ClinVar variation 2675398 (VCV002675398.2), dbSNP rs2466025634, ClinGen allele CA2659241110.
Genomic context (GRCh38, chr2:61,840,022, plus strand): 5'-ACTTAAGAAAGTCTCTCAGCTGCTTTTCCCGGGCTGCTCGCTTCTGTTCCTCCCTTGCTA[TA>T]AATTTAAATGGCTTTTGTGAGGCCAAAAGAGCTTCTTTGCTTTTCTCCTTCAGAGACCTT-3'

ClinVar aggregate classification (germline): Likely pathogenic. Review status: criteria provided, multiple submitters, no conflicts (2 of 4 stars). 2 submissions from 2 submitters: Likely pathogenic (2). Last evaluated 2024-11-18.

Conditions:
Retinitis pigmentosa 28 (RP28). Identifiers: Orphanet 791, MedGen C1419614, MONDO:0011630, OMIM 606068.

Submissions (2):

Natera, Inc.
Classification: Likely pathogenic for Retinitis pigmentosa type 28. Last evaluated: 2024-11-18. Review status: criteria provided, single submitter. Criteria: Natera Variant Classification Schema (03/2026). Collection method: clinical testing. Allele origin: germline.
Comment: The c.981del variant in FAM161A is a frameshift variant predicted to shift the reading frame beginning at codon 327 and leads to a stop codon 2 codons downstream. This variant is expected to result in nonsense mediated decay, truncation, or a dysfunctional protein product. This variant is rare in the general population with a frequency below the threshold expected for the associated phenotype(s). Given the available evidence, this variant is classified as Likely Pathogenic.

Baylor Genetics
Classification: Likely pathogenic for Retinitis pigmentosa 28. Last evaluated: 2021-11-02. Review status: criteria provided, single submitter. Criteria: ACMG Guidelines, 2015. Collection method: clinical testing. Allele origin: unknown.